The following is an entry in ClinVar:

ClinVar aggregate classification (germline): Pathogenic/Likely pathogenic. Review status: criteria provided, multiple submitters, no conflicts (2 of 4 stars). 3 submissions from 3 submitters: Pathogenic (1); Likely pathogenic (2). Last evaluated 2025-04-07.

Conditions:
Congenital muscular dystrophy due to integrin alpha-7 deficiency. Also called: Congenital muscular dystrophy with integrin alpha-7 deficiency; Muscular dystrophy, congenital, due to ITGA7 deficiency; MYOPATHY, CONGENITAL, DUE TO INTEGRIN ALPHA-7 DEFICIENCY. Identifiers: Orphanet 34520, MedGen C2750786, MONDO:0013177, OMIM 613204.

Allele frequency attached by ClinVar (database versions not stated): gnomAD exomes below 0.00001 and 0.00001; ExAC 0.00002; gnomAD 0.00003; ESP Exome Variant Server 0.00008.
gnomAD v4.1: 14 of 1,591,942 alleles (0.00088%); highest among the groups gnomAD compares: African/African-American, 0.0013%; no homozygotes.

Submissions (3):

Revvity Omics, Revvity
Classification: Likely pathogenic for Congenital muscular dystrophy due to integrin alpha-7 deficiency. Last evaluated: 2025-04-07. Review status: criteria provided, single submitter. Criteria: ACMG Guidelines, 2015. Collection method: clinical testing. Allele origin: germline.

Variantyx, Inc.
Classification: Likely pathogenic for Congenital muscular dystrophy due to integrin alpha-7 deficiency. Last evaluated: 2025-03-28. Review status: criteria provided, single submitter. Criteria: Variantyx Assertion Criteria 2022. Collection method: clinical testing. Allele origin: germline. Inheritance: Autosomal recessive inheritance.
Comment: This is a nonsense variant in the ITGA7 gene (OMIM: 600536). Pathogenic variants in this gene have been associated with autosomal recessive congenital muscular dystrophy due to ITGA7 deficiency. This variant introduces a premature termination codon in exon 13 out of 25. It is expected to result in loss of function, which is a known disease mechanism for ITGA7 in this disorder (PMID: 9590299) (PVS1). This variant has a 0.0013% maximum allele frequency in non-founder control populations (PM2), while it has not been reported in individuals with ITGA7-related disorders in the databases available for review. Based on the current evidence, this variant is classified as likely pathogenic for autosomal recessive congenital muscular dystrophy due to ITGA7 deficiency.

Labcorp Genetics (formerly Invitae), Labcorp
Classification: Pathogenic for Congenital muscular dystrophy due to integrin alpha-7 deficiency. Last evaluated: 2023-04-24. Review status: criteria provided, single submitter. Criteria: Invitae Variant Classification Sherloc (09022015). Collection method: clinical testing. Allele origin: germline.
Comment: For these reasons, this variant has been classified as Pathogenic. ClinVar contains an entry for this variant (Variation ID: 1324590). This variant has not been reported in the literature in individuals affected with ITGA7-related conditions. The frequency data for this variant in the population databases is considered unreliable, as metrics indicate poor data quality at this position in the gnomAD database. This sequence change creates a premature translational stop signal (p.Arg604*) in the ITGA7 gene. It is expected to result in an absent or disrupted protein product. Loss-of-function variants in ITGA7 are known to be pathogenic (PMID: 9590299).

Literature cited by the submitters: PubMed 9590299 (cited by Variantyx, Inc. and Labcorp Genetics (formerly Invitae), Labcorp).

NM_002206.3(ITGA7):c.1810C>T (p.Arg604Ter)

Gene: ITGA7 (integrin subunit alpha 7; minus strand). Cytogenetic location: 12q13.2.
Variant type: single nucleotide variant.
Coding change: c.1810C>T on transcript NM_002206.3 (MANE Select); coding-DNA position 1810, C replaced by T.
Protein change: p.Arg604Ter; replaces arginine 604 with a stop codon.
Molecular consequence: nonsense.
Genome position (GRCh38, 1-based): chr12:55,696,360, G>A on the plus strand (C>T on the coding strand, the complement: ITGA7 is on the minus strand). VCF-style: chr12-55696360-G-A. GRCh37 (hg19) VCF-style: chr12-56090144-G-A.
Other names: c.1822C>T, p.Arg608Ter (NM_001144996.2); c.1531C>T, p.Arg511Ter (NM_001144997.2); c.1483C>T, p.Arg495Ter (NM_001367993.1); c.466C>T, p.Arg156Ter (NM_001367994.1); c.1792C>T, p.Arg598Ter (NM_001374465.1); c.1942C>T, p.Arg648Ter (NM_001410977.1); c.1804C>T, p.Arg602Ter (NM_001414029.1); c.1735C>T, p.Arg579Ter (NM_001414030.1); and 5 more; short protein forms R156*, R495*, R511*, R598*, R604*, R608*, R648*, R575*.
Identifiers: ClinVar variation 1324590 (VCV001324590.9), dbSNP rs141365537, ClinGen allele CA6615825.